The following is an entry in ClinVar:

NM_001379291.1(BRD4):c.1752-13C>T

Gene: BRD4 (bromodomain containing 4; minus strand). Cytogenetic location: 19p13.12.
Variant type: single nucleotide variant.
Coding change: c.1752-13C>T on transcript NM_001379291.1 (MANE Select); 13 bases into the intron before coding-DNA position 1752, C replaced by T.
Molecular consequence: intron variant.
Genome position (GRCh38, 1-based): chr19:15,255,605, G>A on the plus strand (C>T on the coding strand, the complement: BRD4 is on the minus strand). VCF-style: chr19-15255605-G-A. GRCh37 (hg19) VCF-style: chr19-15366416-G-A.
Other names: c.1752-13C>T (NM_058243.3, NM_001379292.1, NM_014299.3 and 1 more transcripts).
Identifiers: ClinVar variation 1977157 (VCV001977157.5), dbSNP rs756532782, ClinGen allele CA9265279.
Genomic context (GRCh38, chr19:15,255,605, plus strand): 5'-TCATACGTGGGAGGGGGCTTGCTCTTCATGGGCGCTGGCTCCTTCTTGCTACGAAGGGAC[G>A]ATGCAGACACCATCAAGAACGGGCCCCCTGAGGAAGCCAGGCACTCATTCCTCCACATGT-3'

ClinVar aggregate classification (germline): Uncertain significance (1 of 4 stars; one submission).

Allele frequency attached by ClinVar (database versions not stated): gnomAD 0.00001; TOPMed 0.00001; ExAC 0.00003.
gnomAD v4.1: 20 of 1,590,386 alleles (0.0013%); highest among the groups gnomAD compares: Middle Eastern, 0.05%; no homozygotes.

Submission:

Labcorp Genetics (formerly Invitae), Labcorp
Classification: Uncertain significance. Last evaluated: 2023-10-13. Review status: criteria provided, single submitter. Criteria: Invitae Variant Classification Sherloc (09022015). Collection method: clinical testing. Allele origin: germline.
Comment: This sequence change falls in intron 9 of the BRD4 gene. It does not directly change the encoded amino acid sequence of the BRD4 protein. This variant is present in population databases (rs756532782, gnomAD 0.01%). This variant has not been reported in the literature in individuals affected with BRD4-related conditions. ClinVar contains an entry for this variant (Variation ID: 1977157). Algorithms developed to predict the effect of sequence changes on RNA splicing suggest that this variant may disrupt the consensus splice site. In summary, the available evidence is currently insufficient to determine the role of this variant in disease. Therefore, it has been classified as a Variant of Uncertain Significance.